The following is an entry in ClinVar:

NC_000001.11:g.155301467T>C

Gene: PKLR (pyruvate kinase L/R; minus strand). Cytogenetic location: 1q22.
Variant type: single nucleotide variant.
Genome position: GRCh38 VCF-style: chr1-155301467-T-C. GRCh37 (hg19) VCF-style: chr1-155271258-T-C.
Other names: c.-72A>G (NM_000298.6).
Identifiers: ClinVar variation 1679450 (VCV001679450.11), dbSNP rs1324044951, ClinGen allele CA889661776.

ClinVar aggregate classification (germline): Likely pathogenic. Review status: criteria provided, multiple submitters, no conflicts (2 of 4 stars). 3 submissions from 3 submitters: Likely pathogenic (3). Last evaluated 2025-06-23.

Allele frequency attached by ClinVar (database versions not stated): gnomAD exomes below 0.00001; TOPMed below 0.00001.

Submissions (3):

Dasa
Classification: Likely pathogenic. Last evaluated: 2025-06-23. Review status: criteria provided, single submitter. Criteria: DASA Assertion Criteria. Collection method: clinical testing. Allele origin: germline.
Comment: NM_000298.6(PKLR):c.-72A>G is an intronic variant. This variant has been recurrently observed in individuals with PKLR-related disorders (PMID: 29519373; PMID: 11054094). Functional evidence supports an impact on the gene or gene product (PMID: 29519373). Also, this variant is rare in population databases. Based on the currently available evidence, this variant is classified as likely pathogenic.

Revvity Omics, Revvity
Classification: Likely pathogenic. Last evaluated: 2022-08-18. Review status: criteria provided, single submitter. Criteria: ACMG Guidelines, 2015. Collection method: clinical testing. Allele origin: germline.

ARUP Laboratories, Molecular Genetics and Genomics, ARUP Laboratories
Classification: Likely pathogenic. Last evaluated: 2022-01-26. Review status: criteria provided, single submitter. Criteria: ARUP Molecular Germline Variant Investigation Process 2021. Collection method: clinical testing. Allele origin: germline.

Literature cited by the submitters: PubMed 29519373 (cited by Dasa); PubMed 11054094 (cited by Dasa).